The following is an entry in ClinVar:

ClinVar aggregate classification (germline): Uncertain significance (1 of 4 stars; one submission).

Submission:

GeneDx
Classification: Uncertain significance. Last evaluated: 2026-04-22. Review status: criteria provided, single submitter. Criteria: GeneDx Variant Classification Process June 2021. Collection method: clinical testing. Allele origin: germline.
Comment: Not observed at significant frequency in large population cohorts (gnomAD); In silico analysis supports that this missense variant has a deleterious effect on protein structure/function; Has not been previously published as pathogenic or benign to our knowledge

NM_003410.4(ZFX):c.1742G>A (p.Cys581Tyr)

Gene: ZFX (zinc finger protein X-linked; plus strand). Cytogenetic location: Xp22.11.
Variant type: single nucleotide variant.
Coding change: c.1742G>A on transcript NM_003410.4 (MANE Select); coding-DNA position 1742, G replaced by A.
Protein change: p.Cys581Tyr; replaces cysteine 581 with tyrosine.
Molecular consequence: missense variant. On other transcripts: 3 prime UTR variant (1).
Genome position (GRCh38, 1-based): chrX:24,210,700, G>A. VCF-style: chrX-24210700-G-A. GRCh37 (hg19) VCF-style: chrX-24228817-G-A.
Other names: c.1742G>A, p.Cys581Tyr (NM_001178084.2, NM_001178085.1); c.1055G>A, p.Cys352Tyr (NM_001178086.2); c.*502G>A (NM_001178095.2); c.1859G>A, p.Cys620Tyr (NM_001330327.2); short protein forms C352Y, C581Y, C620Y.
Identifiers: ClinVar variation 5037390 (VCV005037390.1).